The following is an entry in ClinVar:

NM_181712.5(KANK4):c.2587A>G (p.Met863Val)

Gene: KANK4 (KN motif and ankyrin repeat domains 4; minus strand). Cytogenetic location: 1p31.3.
Variant type: single nucleotide variant.
Coding change: c.2587A>G on transcript NM_181712.5 (MANE Select); coding-DNA position 2587, A replaced by G.
Protein change: p.Met863Val; replaces methionine 863 with valine.
Molecular consequence: missense variant.
Genome position (GRCh38, 1-based): chr1:62,253,162, T>C on the plus strand (A>G on the coding strand, the complement: KANK4 is on the minus strand). VCF-style: chr1-62253162-T-C. GRCh37 (hg19) VCF-style: chr1-62718834-T-C.
Other names: c.703A>G, p.Met235Val (NM_001320269.2); short protein forms M863V, M235V.
Identifiers: ClinVar variation 3718312 (VCV003718312.2).

ClinVar aggregate classification (germline): Uncertain significance (1 of 4 stars; one submission).

gnomAD v4.1: 7 of 1,613,314 alleles (0.00043%); highest among the groups gnomAD compares: Admixed American, 0.0033%; no homozygotes.

Submission:

Labcorp Genetics (formerly Invitae), Labcorp
Classification: Uncertain significance. Last evaluated: 2025-06-12. Review status: criteria provided, single submitter. Criteria: Invitae Variant Classification Sherloc (09022015). Collection method: clinical testing. Allele origin: germline.
Comment: This sequence change replaces methionine, which is neutral and non-polar, with valine, which is neutral and non-polar, at codon 863 of the KANK4 protein (p.Met863Val). This variant is present in population databases (rs755326990, gnomAD 0.006%). This variant has not been reported in the literature in individuals affected with KANK4-related conditions. ClinVar contains an entry for this variant (Variation ID: 3718312). An algorithm developed to predict the effect of missense changes on protein structure and function (PolyPhen-2) suggests that this variant is likely to be tolerated. In summary, the available evidence is currently insufficient to determine the role of this variant in disease. Therefore, it has been classified as a Variant of Uncertain Significance.